The following is an entry in ClinVar:

NM_001903.5(CTNNA1):c.377G>C (p.Arg126Pro)

Gene: CTNNA1 (catenin alpha 1; plus strand). Cytogenetic location: 5q31.2.
Variant type: single nucleotide variant.
Coding change: c.377G>C on transcript NM_001903.5 (MANE Select); coding-DNA position 377, G replaced by C.
Protein change: p.Arg126Pro; replaces arginine 126 with proline.
Molecular consequence: missense variant.
Genome position (GRCh38, 1-based): chr5:138,810,113, G>C. VCF-style: chr5-138810113-G-C. GRCh37 (hg19) VCF-style: chr5-138145802-G-C.
Other names: c.377G>C (NM_001903.2, NM_001903.3); c.377G>C, p.Arg126Pro (NM_001290307.3, NM_001323982.2, NM_001323983.1 and 3 more transcripts); c.68G>C, p.Arg23Pro (NM_001290309.3); c.8G>C, p.Arg3Pro (NM_001290310.3); short protein forms R126P, R23P, R3P.
Identifiers: ClinVar variation 1021180 (VCV001021180.12), dbSNP rs371054484, ClinGen allele CA361123100.

ClinVar aggregate classification (germline): Uncertain significance. Review status: criteria provided, multiple submitters, no conflicts (2 of 4 stars). 3 submissions from 3 submitters: Uncertain significance (3). Last evaluated 2025-05-09.

Conditions:
Hereditary cancer-predisposing syndrome. Also called: Hereditary Cancer Syndrome; Neoplastic Syndromes, Hereditary; Tumor predisposition; Hereditary neoplastic syndrome. Identifiers: Orphanet 140162, MedGen C0027672, MeSH D009386, MONDO:0015356.

Allele frequency attached by ClinVar (database versions not stated): gnomAD 0.00001; TOPMed 0.00001.
gnomAD v4.1: 11 of 1,614,126 alleles (0.00068%); highest among the groups gnomAD compares: South Asian, 0.0011%; no homozygotes.

Submissions (3):

GeneDx
Classification: Uncertain significance. Last evaluated: 2025-05-09. Review status: criteria provided, single submitter. Criteria: GeneDx Variant Classification Process June 2021. Collection method: clinical testing. Allele origin: germline. Affected: yes.
Comment: Not observed at significant frequency in large population cohorts (gnomAD); In silico analysis supports that this missense variant has a deleterious effect on protein structure/function; Has not been previously published as pathogenic or benign to our knowledge

Ambry Genetics
Classification: Uncertain significance for Hereditary cancer-predisposing syndrome. Last evaluated: 2025-04-11. Review status: criteria provided, single submitter. Criteria: Ambry Variant Classification Scheme 2023. Collection method: clinical testing. Allele origin: germline.
Comment: The p.R126P variant (also known as c.377G>C), located in coding exon 3 of the CTNNA1 gene, results from a G to C substitution at nucleotide position 377. The arginine at codon 126 is replaced by proline, an amino acid with dissimilar properties. This amino acid position is conserved. In addition, this alteration is predicted to be deleterious by in silico analysis. Since supporting evidence is limited at this time, the clinical significance of this alteration remains unclear.

Labcorp Genetics (formerly Invitae), Labcorp
Classification: Uncertain significance. Last evaluated: 2021-05-16. Review status: criteria provided, single submitter. Criteria: Invitae Variant Classification Sherloc (09022015). Collection method: clinical testing. Allele origin: germline.
Comment: In summary, the available evidence is currently insufficient to determine the role of this variant in disease. Therefore, it has been classified as a Variant of Uncertain Significance. This sequence change replaces arginine with proline at codon 126 of the CTNNA1 protein (p.Arg126Pro). The arginine residue is highly conserved and there is a moderate physicochemical difference between arginine and proline. This variant is not present in population databases (ExAC no frequency). This variant has not been reported in the literature in individuals with CTNNA1-related conditions. Algorithms developed to predict the effect of missense changes on protein structure and function are either unavailable or do not agree on the potential impact of this missense change (SIFT: "Deleterious"; PolyPhen-2: "Benign"; Align-GVGD: "Class C0").